The following is an entry in ClinVar:

ClinVar aggregate classification (germline): Uncertain significance (1 of 4 stars; one submission).

Conditions:
Familial focal epilepsy with variable foci (FPEVF). Identifiers: Orphanet 98820, MedGen C1858477, MONDO:0020310.

Allele frequency attached by ClinVar (database versions not stated): gnomAD exomes 0.00002 and 0.00001; ExAC 0.00002.
gnomAD v4.1: 7 of 1,614,034 alleles (0.00043%); highest among the groups gnomAD compares: African/African-American, 0.0013%; no homozygotes.

Submission:

Labcorp Genetics (formerly Invitae), Labcorp
Classification: Uncertain significance for Familial focal epilepsy with variable foci. Last evaluated: 2024-10-30. Review status: criteria provided, single submitter. Criteria: Invitae Variant Classification Sherloc (09022015). Collection method: clinical testing. Allele origin: germline.
Comment: This sequence change replaces glutamic acid, which is acidic and polar, with glycine, which is neutral and non-polar, at codon 900 of the DEPDC5 protein (p.Glu900Gly). This variant is present in population databases (rs755495732, gnomAD 0.003%). This variant has not been reported in the literature in individuals affected with DEPDC5-related conditions. ClinVar contains an entry for this variant (Variation ID: 1478524). Experimental studies and prediction algorithms are not available or were not evaluated, and the functional significance of this variant is currently unknown. In summary, the available evidence is currently insufficient to determine the role of this variant in disease. Therefore, it has been classified as a Variant of Uncertain Significance.

NM_001242896.3(DEPDC5):c.2699A>G (p.Glu900Gly)

Gene: DEPDC5 (DEP domain containing 5, GATOR1 subcomplex subunit; plus strand). Cytogenetic location: 22q12.3.
Variant type: single nucleotide variant.
Coding change: c.2699A>G on transcript NM_001242896.3 (MANE Select); coding-DNA position 2699, A replaced by G.
Protein change: p.Glu900Gly; replaces glutamic acid 900 with glycine.
Molecular consequence: missense variant. On other transcripts: non-coding transcript variant (5).
Genome position (GRCh38, 1-based): chr22:31,843,710, A>G. VCF-style: chr22-31843710-A-G. GRCh37 (hg19) VCF-style: chr22-32239696-A-G.
Other names: c.2672A>G, p.Glu891Gly (NM_001136029.4, NM_001369903.1, NM_014662.6); c.2465A>G, p.Glu822Gly (NM_001242897.2, NM_001363854.2, NM_001364319.2); c.2699A>G, p.Glu900Gly (NM_001363852.2, NM_001364318.2, NM_001364320.2); c.2615A>G, p.Glu872Gly (NM_001369901.1, NM_001369902.1); short protein forms E891G, E822G, E872G, E900G.
Identifiers: ClinVar variation 1478524 (VCV001478524.7), dbSNP rs755495732, ClinGen allele CA10196781.